The following is an entry in ClinVar:

ClinVar aggregate classification (germline): Pathogenic. Review status: criteria provided, single submitter (1 of 4 stars). 3 submissions from 3 submitters: Pathogenic (1). 2 of the submissions do not count toward it. Last evaluated 2024-07-23.

Conditions:
Basal cell nevus syndrome 1 (BCNS1). Also called: GORLIN-GOLTZ SYNDROME; MULTIPLE BASAL CELL NEVI, ODONTOGENIC KERATOCYSTS, AND SKELETAL ANOMALIES. Identifiers: MedGen CN376810, MONDO:0958174, OMIM 109400.
Gorlin syndrome. Also called: Nevoid Basal Cell Carcinoma Syndrome; Basal cell nevus syndrome. Identifiers: Orphanet 377, MedGen C0004779, MONDO:0007187.

Submissions (3):

Labcorp Genetics (formerly Invitae), Labcorp
Classification: Pathogenic for Gorlin syndrome. Last evaluated: 2024-07-23. Review status: criteria provided, single submitter. Criteria: Invitae Variant Classification Sherloc (09022015). Collection method: clinical testing. Allele origin: germline.
Comment: This sequence change creates a premature translational stop signal (p.Gln365*) in the PTCH1 gene. It is expected to result in an absent or disrupted protein product. Loss-of-function variants in PTCH1 are known to be pathogenic (PMID: 16301862, 16419085). This variant is not present in population databases (gnomAD no frequency). This premature translational stop signal has been observed in individual(s) with basal cell nevus syndrome (BCNS) (PMID: 29575684). ClinVar contains an entry for this variant (Variation ID: 156352). For these reasons, this variant has been classified as Pathogenic.

OMIM
Classification: Pathogenic for BASAL CELL NEVUS SYNDROME 1. Last evaluated: 2023-04-24. Review status: no assertion criteria provided. Collection method: literature only. Allele origin: germline. Not counted in ClinVar's aggregate classification.

ClinVar Staff, National Center for Biotechnology Information (NCBI)
No classification provided. Condition: Gorlin syndrome. Review status: no classification provided. Collection method: not provided. Allele origin: not provided. Not counted in ClinVar's aggregate classification.

Literature cited by the submitters: PubMed 16301862 (cited by Labcorp Genetics (formerly Invitae), Labcorp); PubMed 16419085 (cited by Labcorp Genetics (formerly Invitae), Labcorp); PubMed 29575684 (cited by Labcorp Genetics (formerly Invitae), Labcorp); PubMed 8681379 (cited by OMIM).

NM_000264.5(PTCH1):c.1093C>T (p.Gln365Ter)

Gene: PTCH1 (patched 1; minus strand). Cytogenetic location: 9q22.32.
Variant type: single nucleotide variant.
Coding change: c.1093C>T on transcript NM_000264.5 (MANE Select); coding-DNA position 1093, C replaced by T.
Protein change: p.Gln365Ter; replaces glutamine 365 with a stop codon.
Molecular consequence: nonsense. On other transcripts: non-coding transcript variant (1).
Genome position (GRCh38, 1-based): chr9:95,479,122, G>A on the plus strand (C>T on the coding strand, the complement: PTCH1 is on the minus strand). VCF-style: chr9-95479122-G-A. GRCh37 (hg19) VCF-style: chr9-98241404-G-A.
Other names: Q210*; c.895C>T, p.Gln299Ter (NM_001083602.3); c.1090C>T, p.Gln364Ter (NM_001083603.3); c.640C>T, p.Gln214Ter (NM_001083604.3, NM_001083605.3, NM_001083606.3 and 1 more transcripts); c.1093C>T, p.Gln365Ter (NM_001354918.2); short protein forms Q299*, Q365*, Q214*, Q364*.
Identifiers: ClinVar variation 156352 (VCV000156352.13), dbSNP rs267606984, ClinGen allele CA270768.
Genomic context (GRCh38, chr9:95,479,122, plus strand): 5'-TGTGTGAGACATACTCGTACCCCTTGAAGTGCTCGTACATTTGCTTGGGAGTCATTAACT[G>A]GAACATGGTCTGCAGGGCATGGGCGCTGCAGCACAGTCCAAGGGAAGGCACATCATCAGT-3'